The following is an entry in ClinVar:

NM_002633.3(PGM1):c.409+19T>G

Gene: PGM1 (phosphoglucomutase 1; plus strand). Cytogenetic location: 1p31.3.
Variant type: single nucleotide variant.
Coding change: c.409+19T>G on transcript NM_002633.3 (MANE Select); 19 bases into the intron after coding-DNA position 409, T replaced by G.
Molecular consequence: intron variant.
Genome position (GRCh38, 1-based): chr1:63,629,606, T>G. VCF-style: chr1-63629606-T-G. GRCh37 (hg19) VCF-style: chr1-64095277-T-G.
Other names: c.-183+19T>G (NM_001172819.2); c.463+19T>G (NM_001172818.1).
Identifiers: ClinVar variation 514011 (VCV000514011.1), dbSNP rs780764308, ClinGen allele CA889524.

ClinVar aggregate classification (germline): Likely benign (1 of 4 stars; one submission).

Allele frequency attached by ClinVar (database versions not stated): gnomAD exomes below 0.00001; ExAC 0.00001; TOPMed 0.00001.
gnomAD v4.1: 3 of 1,610,864 alleles (0.00019%); highest among the groups gnomAD compares: Non-Finnish European, 0.00025%; no homozygotes.

Submission:

GeneDx
Classification: Likely benign. Last evaluated: 2017-12-28. Review status: criteria provided, single submitter. Criteria: GeneDx Variant Classification (06012015). Collection method: clinical testing. Allele origin: germline. Affected: yes.
Comment: This variant is considered likely benign or benign based on one or more of the following criteria: it is a conservative change, it occurs at a poorly conserved position in the protein, it is predicted to be benign by multiple in silico algorithms, and/or has population frequency not consistent with disease.